The following is an entry in ClinVar:

NM_000102.4(CYP17A1):c.909C>T (p.Gly303=)

Genes: CYP17A1 (cytochrome P450 family 17 subfamily A member 1; minus strand), CYP17A1-AS1 (CYP17A1 antisense RNA 1; plus strand). Cytogenetic location: 10q24.32.
Variant type: single nucleotide variant.
Coding change: c.909C>T on transcript NM_000102.4 (MANE Select); coding-DNA position 909, C replaced by T.
Protein change: p.Gly303=; no amino-acid change (glycine 303 retained).
Molecular consequence: synonymous variant.
Genome position (GRCh38, 1-based): chr10:102,833,053, G>A on the plus strand (C>T on the coding strand, the complement: CYP17A1 is on the minus strand). VCF-style: chr10-102833053-G-A. GRCh37 (hg19) VCF-style: chr10-104592810-G-A.
Other names: c.909C>T (NM_000102.3).
Identifiers: ClinVar variation 1153661 (VCV001153661.11), dbSNP rs563749393, ClinGen allele CA5669449.
Genomic context (GRCh38, chr10:102,833,053, plus strand): 5'-CTGAGGATTGTGCAGCAGGAAGGCCAGGGTCCATTTAACCACAGAGGTGGTGGTCTCCAC[G>A]CCAGCCCCAAAGATGTCCCCTATGGTGGTGAGAATGTGGTTATCTGAAAGCAGCTCTGAG-3'
Protein context (NP_000093.1, residues 293-313): LTTIGDIFGA[Gly303=]VETTTSVVKW

ClinVar aggregate classification (germline): Likely benign. Review status: criteria provided, single submitter (1 of 4 stars). 2 submissions from 2 submitters: Likely benign (1). 1 of the submissions does not count toward it. Last evaluated 2026-01-11.

Conditions:
CYP17A1-related disorder. Also called: CYP17A1-related condition.

Allele frequency attached by ClinVar (database versions not stated): TOPMed 0.00003; gnomAD 0.00006 and 0.00008; ExAC 0.00009; gnomAD exomes 0.00009; 1000 Genomes Project 30x 0.00016; 1000 Genomes Project 0.00020.

Submissions (2):

Labcorp Genetics (formerly Invitae), Labcorp
Classification: Likely benign. Last evaluated: 2026-01-11. Review status: criteria provided, single submitter. Criteria: Invitae Variant Classification Sherloc (09022015). Collection method: clinical testing. Allele origin: germline.

PreventionGenetics, part of Exact Sciences
Classification: Likely benign for CYP17A1-related condition. Last evaluated: 2019-04-05. Review status: no assertion criteria provided. Collection method: clinical testing. Allele origin: germline. Not counted in ClinVar's aggregate classification.
Comment: This variant is classified as likely benign based on ACMG/AMP sequence variant interpretation guidelines (Richards et al. 2015 PMID: 25741868, with internal and published modifications).